The following is an entry in ClinVar:

ClinVar aggregate classification (germline): Benign (0 of 4 stars; one submission).

Conditions:
KCNJ12-related disorder. Also called: KCNJ12-related condition.

Allele frequency attached by ClinVar (database versions not stated): gnomAD 0.00007.

Submission:

PreventionGenetics, part of Exact Sciences
Classification: Benign for KCNJ12-related condition. Last evaluated: 2019-10-17. Review status: no assertion criteria provided. Collection method: clinical testing. Allele origin: germline.
Comment: This variant is classified as benign based on ACMG/AMP sequence variant interpretation guidelines (Richards et al. 2015 PMID: 25741868, with internal and published modifications).

NM_021012.5(KCNJ12):c.44C>T (p.Ser15Leu)

Gene: KCNJ12 (potassium inwardly rectifying channel subfamily J member 12; plus strand). Cytogenetic location: 17p11.2.
Variant type: single nucleotide variant.
Coding change: c.44C>T on transcript NM_021012.5 (MANE Select); coding-DNA position 44, C replaced by T.
Protein change: p.Ser15Leu; replaces serine 15 with leucine.
Molecular consequence: missense variant.
Genome position (GRCh38, 1-based): chr17:21,415,386, C>T. VCF-style: chr17-21415386-C-T. GRCh37 (hg19) VCF-style: chr17-21318698-C-T.
Other names: short protein forms S15L.
Identifiers: ClinVar variation 3058910 (VCV003058910.2), dbSNP rs1657738, ClinGen allele CA8450958.
Genomic context (GRCh38, chr17:21,415,386, plus strand): 5'-GTCCCCCAACCCCCGGGATGACCGCGGCCAGCCGGGCCAACCCCTACAGCATCGTGTCAT[C>T]GGAGGAGGACGGGCTGCACCTGGTCACCATGTCGGGCGCCAACGGCTTCGGCAACGGCAA-3'
Protein context (NP_066292.2, residues 5-25): SRANPYSIVS[Ser15Leu]EEDGLHLVTM